The following is an entry in ClinVar:

NM_144573.4(NEXN):c.1407delinsGC (p.Glu470fs)

Gene: NEXN (nexilin F-actin binding protein; plus strand). Cytogenetic location: 1p31.1.
Variant type: Indel.
Coding change: c.1407delinsGC on transcript NM_144573.4 (MANE Select); coding-DNA position 1407, A replaced by GC.
Protein change: p.Glu470fs; shifts the reading frame from glutamic acid 470.
Molecular consequence: frameshift variant.
Genome position (GRCh38, 1-based): chr1:77,935,978, A replaced by GC. VCF-style: chr1-77935978-A-GC. GRCh37 (hg19) VCF-style: chr1-78401663-A-GC.
Other names: c.1215delinsGC, p.Glu406fs (NM_001172309.2); short protein forms E406fs, E470fs.
Identifiers: ClinVar variation 1771923 (VCV001771923.2), dbSNP rs2523265350, ClinGen allele CA2580063267.

ClinVar aggregate classification (germline): Uncertain significance (1 of 4 stars; one submission).

Conditions:
Cardiovascular phenotype. Identifiers: MedGen CN230736.

Submission:

Ambry Genetics
Classification: Uncertain significance for Cardiovascular phenotype. Last evaluated: 2021-08-18. Review status: criteria provided, single submitter. Criteria: Ambry Variant Classification Scheme 2023. Collection method: clinical testing. Allele origin: germline.
Comment: The c.1407delAinsGC variant, located in coding exon 10 of the NEXN gene, results from the deletion of one nucleotide and insertion of two nucleotides causing a translational frameshift with a predicted alternate stop codon (p.E470Rfs*9). This alteration is expected to result in premature protein truncation or nonsense-mediated mRNA decay. However, loss of function of NEXN has not been clearly established as a mechanism of disease. Since supporting evidence is limited at this time, the clinical significance of this alteration remains unclear.